The following is an entry in ClinVar:

ClinVar aggregate classification (germline): Uncertain significance. Review status: criteria provided, multiple submitters, no conflicts (2 of 4 stars). 2 submissions from 2 submitters: Uncertain significance (2). Last evaluated 2021-08-10.

Conditions:
Cardiovascular phenotype. Identifiers: MedGen CN230736.

Allele frequency attached by ClinVar (database versions not stated): TOPMed below 0.00001; gnomAD 0.00001; ExAC 0.00002; gnomAD exomes 0.00002 and 0.00003; 1000 Genomes Project 30x 0.00016.
gnomAD v4.1: 43 of 1,613,110 alleles (0.0027%); highest among the groups gnomAD compares: Non-Finnish European, 0.0031%; no homozygotes.

Submissions (2):

Athena Diagnostics
Classification: Uncertain significance. Last evaluated: 2021-08-10. Review status: criteria provided, single submitter. Criteria: Athena Diagnostics Criteria. Collection method: clinical testing. Allele origin: unknown.

Ambry Genetics
Classification: Uncertain significance for Cardiovascular phenotype. Last evaluated: 2017-02-17. Review status: criteria provided, single submitter. Criteria: Ambry Variant Classification Scheme 2023. Collection method: clinical testing. Allele origin: germline.
Comment: The p.R10894H variant (also known as c.32681G>A), located in coding exon 129 of the TTN gene, results from a G to A substitution at nucleotide position 32681. The arginine at codon 10894 is replaced by histidine, an amino acid with highly similar properties. This amino acid position is highly conserved in available vertebrate species. In addition, this alteration is predicted to be tolerated by in silico analysis. Since supporting evidence is limited at this time, the clinical significance of this alteration remains unclear.

NM_001267550.2(TTN):c.59876G>A (p.Arg19959His)

Genes: TTN (titin; minus strand), TTN-AS1 (TTN antisense RNA 1; plus strand), LOC126806424 (CDK7 strongly-dependent group 2 enhancer GRCh37_chr2:179456337-179457536; plus strand). Cytogenetic location: 2q31.2.
Variant type: single nucleotide variant.
Coding change: c.59876G>A on transcript NM_001267550.2 (MANE Select); coding-DNA position 59876, G replaced by A.
Protein change: p.Arg19959His; replaces arginine 19959 with histidine.
Molecular consequence: missense variant.
Genome position (GRCh38, 1-based): chr2:178,592,028, C>T on the plus strand (G>A on the coding strand, the complement: TTN is on the minus strand). VCF-style: chr2-178592028-C-T. GRCh37 (hg19) VCF-style: chr2-179456755-C-T.
Other names: c.54953G>A, p.Arg18318His (NM_001256850.1); c.32681G>A, p.Arg10894His (NM_003319.4); c.52172G>A, p.Arg17391His (NM_133378.4); c.33056G>A, p.Arg11019His (NM_133432.3); c.33257G>A, p.Arg11086His (NM_133437.4); c.59876G>A (NM_001267550.1); short protein forms R10894H, R19959H, R11086H, R17391H, R11019H, R18318H.
Identifiers: ClinVar variation 519155 (VCV000519155.6), dbSNP rs748120315, ClinGen allele CA1992588.
Genomic context (GRCh38, chr2:178,592,028, plus strand): 5'-AGCAACTTACGGAGAGGATCCAAAGCCTTGATTGGTTTTGGTGTTTCAACAAAAGGACCA[C>T]GTCCATACTGGTTCTCCGCAGCTACTCGGAAGAGGTACTGGTTGCCTTCATTCAGATGCT-3'
Protein context (NP_001254479.2, residues 19949-19969): FRVAAENQYG[Arg19959His]GPFVETPKPI